The following is an entry in ClinVar:

ClinVar aggregate classification (germline): Likely benign (0 of 4 stars; one submission).

Conditions:
DNAH1-related disorder. Also called: DNAH1-related condition.

Allele frequency attached by ClinVar (database versions not stated): ExAC 0.00001; gnomAD exomes 0.00001; TOPMed 0.00001; gnomAD 0.00002.
gnomAD v4.1: 24 of 1,613,036 alleles (0.0015%); highest among the groups gnomAD compares: Non-Finnish European, 0.0019%; no homozygotes.

Submission:

PreventionGenetics, part of Exact Sciences
Classification: Likely benign for DNAH1-related condition. Last evaluated: 2023-09-11. Review status: no assertion criteria provided. Collection method: clinical testing. Allele origin: germline.
Comment: This variant is classified as likely benign based on ACMG/AMP sequence variant interpretation guidelines (Richards et al. 2015 PMID: 25741868, with internal and published modifications).

NM_015512.5(DNAH1):c.2583T>C (p.Ile861=)

Gene: DNAH1 (dynein axonemal heavy chain 1; plus strand). Cytogenetic location: 3p21.1.
Variant type: single nucleotide variant.
Coding change: c.2583T>C on transcript NM_015512.5 (MANE Select); coding-DNA position 2583, T replaced by C.
Protein change: p.Ile861=; no amino-acid change (isoleucine 861 retained).
Molecular consequence: synonymous variant.
Genome position (GRCh38, 1-based): chr3:52,350,045, T>C. VCF-style: chr3-52350045-T-C. GRCh37 (hg19) VCF-style: chr3-52384061-T-C.
Identifiers: ClinVar variation 3055077 (VCV003055077.2), dbSNP rs758923911, ClinGen allele CA2433307.
Genomic context (GRCh38, chr3:52,350,045, plus strand): 5'-CCAGATCTGCGAGGAGTTCCGCAGCATCAGCCGCAAGATCTATGAGAAGCCCAACAGCAT[T>C]GAGGAGCTGGCTGAGCTGCGAGAGTGGATGAAGGGCATCCCGGAGAGGCTGGTGGGCCTG-3'
Protein context (NP_056327.4, residues 851-871): SRKIYEKPNS[Ile861=]EELAELREWM